The following is an entry in ClinVar:

NM_000363.5(TNNI3):c.549+267T>A

Gene: TNNI3 (troponin I3, cardiac type; minus strand). Cytogenetic location: 19q13.42.
Variant type: single nucleotide variant.
Coding change: c.549+267T>A on transcript NM_000363.5 (MANE Select); 267 bases into the intron after coding-DNA position 549, T replaced by A.
Molecular consequence: intron variant.
Genome position (GRCh38, 1-based): chr19:55,153,763, A>T on the plus strand (T>A on the coding strand, the complement: TNNI3 is on the minus strand). VCF-style: chr19-55153763-A-T. GRCh37 (hg19) VCF-style: chr19-55665131-A-T.
Identifiers: ClinVar variation 681245 (VCV000681245.1), dbSNP rs11671448, ClinGen allele CA16575445.

ClinVar aggregate classification (germline): Likely benign (1 of 4 stars; one submission).

Allele frequency attached by ClinVar (database versions not stated): gnomAD 0.00175.

Submission:

GeneDx
Classification: Likely benign. Last evaluated: 2018-06-19. Review status: criteria provided, single submitter. Criteria: GeneDx Variant Classification (06012015). Collection method: clinical testing. Allele origin: germline. Affected: yes.
Comment: This variant is considered likely benign or benign based on one or more of the following criteria: it is a conservative change, it occurs at a poorly conserved position in the protein, it is predicted to be benign by multiple in silico algorithms, and/or has population frequency not consistent with disease.